The following is an entry in ClinVar:

NM_000093.5(COL5A1):c.2542C>T (p.Arg848Cys)

Gene: COL5A1 (collagen type V alpha 1 chain; plus strand). Cytogenetic location: 9q34.3.
Variant type: single nucleotide variant.
Coding change: c.2542C>T on transcript NM_000093.5 (MANE Select); coding-DNA position 2542, C replaced by T.
Protein change: p.Arg848Cys; replaces arginine 848 with cysteine.
Molecular consequence: missense variant.
Genome position (GRCh38, 1-based): chr9:134,785,046, C>T. VCF-style: chr9-134785046-C-T. GRCh37 (hg19) VCF-style: chr9-137676892-C-T.
Other names: c.2542C>T (NM_000093.4); c.2542C>T, p.Arg848Cys (NM_001278074.1); short protein forms R848C.
Identifiers: ClinVar variation 519633 (VCV000519633.25), dbSNP rs762336160, ClinGen allele CA5319444.

ClinVar aggregate classification (germline): Conflicting classifications of pathogenicity. Review status: criteria provided, conflicting classifications (1 of 4 stars). 6 submissions from 6 submitters: Uncertain significance (2); Likely benign (3). 1 of the submissions does not count toward it. Last evaluated 2025-11-11.

Conditions:
Familial thoracic aortic aneurysm and aortic dissection (TAAD). Also called: Thoracic aortic aneurysms and dissections. Identifiers: Orphanet 91387, MedGen C4707243, MONDO:0019625.
COL5A1-related disorder. Also called: COL5A1-related condition.
Ehlers-Danlos syndrome, classic type, 1 (EDSCL1). Also called: Ehlers-Danlos Syndrome, Classic Type, COL5A1-Related; EDS I; Ehlers-Danlos syndrome, type 1; EHLERS-DANLOS SYNDROME, GRAVIS TYPE; EHLERS-DANLOS SYNDROME, SEVERE CLASSIC TYPE. Identifiers: MedGen C0268335, MONDO:0019567, OMIM 130000.

Allele frequency attached by ClinVar (database versions not stated): TOPMed 0.00001; ExAC 0.00002; gnomAD exomes 0.00002 and 0.00003.
gnomAD v4.1: 33 of 1,613,426 alleles (0.002%); highest among the groups gnomAD compares: Middle Eastern, 0.017%; no homozygotes.

Submissions (6):

Labcorp Genetics (formerly Invitae), Labcorp
Classification: Likely benign for Ehlers-Danlos syndrome, classic type, 1. Last evaluated: 2025-11-11. Review status: criteria provided, single submitter. Criteria: Invitae Variant Classification Sherloc (09022015). Collection method: clinical testing. Allele origin: germline.

GeneDx
Classification: Uncertain significance. Last evaluated: 2024-12-04. Review status: criteria provided, single submitter. Criteria: GeneDx Variant Classification Process June 2021. Collection method: clinical testing. Allele origin: germline.
Comment: Occurs in the triple helical domain at the X position in the canonical Gly-X-Y repeat; although this variant may have an effect on normal protein folding and function, missense substitution at the X position is not a common mechanism of disease (PMID: 22696272; HGMD); In silico analysis supports that this missense variant has a deleterious effect on protein structure/function; This variant is associated with the following publications: (PMID: 22696272, 37079061)

CeGaT Center for Human Genetics Tuebingen
Classification: Likely benign. Last evaluated: 2024-12-01. Review status: criteria provided, single submitter. Criteria: CeGaT Center For Human Genetics Tuebingen Variant Classification Criteria Version 2. Collection method: clinical testing. Allele origin: germline. Affected: yes. Observed: 1 variant allele.
Comment: COL5A1: BP5

Ambry Genetics
Classification: Uncertain significance for Familial thoracic aortic aneurysm and aortic dissection. Last evaluated: 2023-11-13. Review status: criteria provided, single submitter. Criteria: Ambry Variant Classification Scheme 2023. Collection method: clinical testing. Allele origin: germline.
Comment: The p.R848C variant (also known as c.2542C>T), located in coding exon 30 of the COL5A1 gene, results from a C to T substitution at nucleotide position 2542. The arginine at codon 848 is replaced by cysteine, an amino acid with highly dissimilar properties. This alteration has been reported in a subject with features of Ehlers Danlos syndrome (Leone MP et al. Hum Genet, 2023 Jun;142:785-808). This amino acid position is highly conserved in available vertebrate species. In addition, this alteration is predicted to be deleterious by in silico analysis. Since supporting evidence is limited at this time, the clinical significance of this alteration remains unclear.

Blueprint Genetics
Classification: Likely benign. Last evaluated: 2023-08-07. Review status: criteria provided, single submitter. Criteria: ACMG Guidelines, 2015. Collection method: clinical testing. Allele origin: germline.

PreventionGenetics, part of Exact Sciences
Classification: Uncertain significance for COL5A1-related condition. Last evaluated: 2024-07-30. Review status: no assertion criteria provided. Collection method: clinical testing. Allele origin: germline. Not counted in ClinVar's aggregate classification.
Comment: The COL5A1 c.2542C>T variant is predicted to result in the amino acid substitution p.Arg848Cys. This variant has been reported as a variant of uncertain significance in an individual with Ehlers-Danlos syndrome (Supplementary File 3, Leone et al. 2023. PubMed ID: 37079061). This variant is reported in 0.0058% of alleles in individuals of Latino descent in gnomAD. At this time, the clinical significance of this variant is uncertain due to the absence of conclusive functional and genetic evidence.

Literature cited by the submitters: PubMed 37079061 (cited by Ambry Genetics).